The following is an entry in ClinVar:

ClinVar aggregate classification (germline): Uncertain significance (1 of 4 stars; one submission).

Conditions:
Bloom syndrome (BLM). Also called: Bloom-Torre-Machacek syndrome. Identifiers: Orphanet 125, MedGen C0005859, MONDO:0008876, OMIM 210900.

Submission:

Labcorp Genetics (formerly Invitae), Labcorp
Classification: Uncertain significance for Bloom syndrome. Last evaluated: 2025-11-25. Review status: criteria provided, single submitter. Criteria: Invitae Variant Classification Sherloc (09022015). Collection method: clinical testing. Allele origin: germline.
Comment: This sequence change replaces asparagine, which is neutral and polar, with serine, which is neutral and polar, at codon 454 of the BLM protein (p.Asn454Ser). This variant is not present in population databases (gnomAD no frequency). This variant has not been reported in the literature in individuals affected with BLM-related conditions. ClinVar contains an entry for this variant (Variation ID: 956892). Invitae Evidence Modeling of protein sequence and biophysical properties (such as structural, functional, and spatial information, amino acid conservation, physicochemical variation, residue mobility, and thermodynamic stability) indicates that this missense variant is not expected to disrupt BLM protein function with a negative predictive value of 80%. In summary, the available evidence is currently insufficient to determine the role of this variant in disease. Therefore, it has been classified as a Variant of Uncertain Significance.

NM_000057.4(BLM):c.1361A>G (p.Asn454Ser)

Gene: BLM (BLM RecQ like helicase; plus strand). Cytogenetic location: 15q26.1.
Variant type: single nucleotide variant.
Coding change: c.1361A>G on transcript NM_000057.4 (MANE Select); coding-DNA position 1361, A replaced by G.
Protein change: p.Asn454Ser; replaces asparagine 454 with serine.
Molecular consequence: missense variant.
Genome position (GRCh38, 1-based): chr15:90,760,734, A>G. VCF-style: chr15-90760734-A-G. GRCh37 (hg19) VCF-style: chr15-91303964-A-G.
Other names: c.1361A>G, p.Asn454Ser (NM_001287246.2, NM_001287247.2); c.236A>G, p.Asn79Ser (NM_001287248.2); short protein forms N79S, N454S.
Identifiers: ClinVar variation 956892 (VCV000956892.10), dbSNP rs1895953927, ClinGen allele CA393842895.